The following is an entry in ClinVar:

NM_002432.3(MNDA):c.203T>C (p.Leu68Pro)

Gene: MNDA (myeloid cell nuclear differentiation antigen; plus strand). Cytogenetic location: 1q23.1.
Variant type: single nucleotide variant.
Coding change: c.203T>C on transcript NM_002432.3 (MANE Select); coding-DNA position 203, T replaced by C.
Protein change: p.Leu68Pro; replaces leucine 68 with proline.
Molecular consequence: missense variant.
Genome position (GRCh38, 1-based): chr1:158,842,356, T>C. VCF-style: chr1-158842356-T-C. GRCh37 (hg19) VCF-style: chr1-158812146-T-C.
Other names: short protein forms L68P.
Identifiers: ClinVar variation 2497076 (VCV002497076.2), dbSNP rs773704890, ClinGen allele CA1185513.

ClinVar aggregate classification (germline): Uncertain significance (1 of 4 stars; one submission).

Allele frequency attached by ClinVar (database versions not stated): ExAC 0.00001; gnomAD 0.00001; TOPMed 0.00002; gnomAD exomes 0.00003.

Submission:

Ambry Genetics
Classification: Uncertain significance. Last evaluated: 2023-01-12. Review status: criteria provided, single submitter. Criteria: Ambry Variant Classification Scheme 2023. Collection method: clinical testing. Allele origin: germline.
Comment: The p.L68P variant (also known as c.203T>C), located in coding exon 1 of the MNDA gene, results from a T to C substitution at nucleotide position 203. The leucine at codon 68 is replaced by proline, an amino acid with similar properties. This amino acid position is conserved. In addition, the in silico prediction for this alteration is inconclusive. Since supporting evidence is limited at this time, the clinical significance of this alteration remains unclear.